The following is an entry in ClinVar:

ClinVar aggregate classification (germline): Uncertain significance (1 of 4 stars; one submission).

Conditions:
Perlman syndrome (PRLMNS). Identifiers: Orphanet 2849, MedGen C0796113, MONDO:0009965, OMIM 267000.

Submission:

Labcorp Genetics (formerly Invitae), Labcorp
Classification: Uncertain significance for Perlman syndrome. Last evaluated: 2023-01-09. Review status: criteria provided, single submitter. Criteria: Invitae Variant Classification Sherloc (09022015). Collection method: clinical testing. Allele origin: germline.
Comment: In summary, the available evidence is currently insufficient to determine the role of this variant in disease. Therefore, it has been classified as a Variant of Uncertain Significance. Algorithms developed to predict the effect of missense changes on protein structure and function are either unavailable or do not agree on the potential impact of this missense change (SIFT: "Deleterious"; PolyPhen-2: "Possibly Damaging"; Align-GVGD: "Class C0"). This variant has not been reported in the literature in individuals affected with DIS3L2-related conditions. This variant is not present in population databases (gnomAD no frequency). This sequence change replaces aspartic acid, which is acidic and polar, with tyrosine, which is neutral and polar, at codon 188 of the DIS3L2 protein (p.Asp188Tyr).

NM_152383.5(DIS3L2):c.562G>T (p.Asp188Tyr)

Gene: DIS3L2 (DIS3 like 3'-5' exoribonuclease 2; plus strand). Cytogenetic location: 2q37.1.
Variant type: single nucleotide variant.
Coding change: c.562G>T on transcript NM_152383.5 (MANE Select); coding-DNA position 562, G replaced by T.
Protein change: p.Asp188Tyr; replaces aspartic acid 188 with tyrosine.
Molecular consequence: missense variant. On other transcripts: non-coding transcript variant (2).
Genome position (GRCh38, 1-based): chr2:232,087,682, G>T. VCF-style: chr2-232087682-G-T. GRCh37 (hg19) VCF-style: chr2-232952392-G-T.
Other names: c.562G>T, p.Asp188Tyr (NM_001257281.2, NM_001257282.2); short protein forms D188Y.
Identifiers: ClinVar variation 2827171 (VCV002827171.3), dbSNP rs2469750249, ClinGen allele CA351155253.